The following is an entry in ClinVar:

ClinVar aggregate classification (germline): Uncertain significance (1 of 4 stars; one submission).

Submission:

Labcorp Genetics (formerly Invitae), Labcorp
Classification: Uncertain significance. Last evaluated: 2021-09-24. Review status: criteria provided, single submitter. Criteria: Invitae Variant Classification Sherloc (09022015). Collection method: clinical testing. Allele origin: germline.
Comment: This sequence change replaces histidine with glutamine at codon 156 of the PCNT protein (p.His156Gln). The histidine residue is weakly conserved and there is a small physicochemical difference between histidine and glutamine. This variant is not present in population databases (ExAC no frequency). This variant has not been reported in the literature in individuals with PCNT-related conditions. Algorithms developed to predict the effect of missense changes on protein structure and function (SIFT, PolyPhen-2, Align-GVGD) all suggest that this variant is likely to be tolerated, but these predictions have not been confirmed by published functional studies and their clinical significance is uncertain. In summary, the available evidence is currently insufficient to determine the role of this variant in disease. Therefore, it has been classified as a Variant of Uncertain Significance.

NM_006031.6(PCNT):c.468T>A (p.His156Gln)

Gene: PCNT (pericentrin; plus strand). Cytogenetic location: 21q22.3.
Variant type: single nucleotide variant.
Coding change: c.468T>A on transcript NM_006031.6 (MANE Select); coding-DNA position 468, T replaced by A.
Protein change: p.His156Gln; replaces histidine 156 with glutamine.
Molecular consequence: missense variant.
Genome position (GRCh38, 1-based): chr21:46,334,597, T>A. VCF-style: chr21-46334597-T-A. GRCh37 (hg19) VCF-style: chr21-47754511-T-A.
Other names: c.114T>A, p.His38Gln (NM_001315529.2); short protein forms H156Q, H38Q.
Identifiers: ClinVar variation 1355715 (VCV001355715.5), dbSNP rs1333048694, ClinGen allele CA410560543.